The following is an entry in ClinVar:

ClinVar aggregate classification (germline): Pathogenic (1 of 4 stars; one submission).

Submission:

Labcorp Genetics (formerly Invitae), Labcorp
Classification: Pathogenic. Last evaluated: 2022-08-31. Review status: criteria provided, single submitter. Criteria: Invitae Variant Classification Sherloc (09022015). Collection method: clinical testing. Allele origin: germline.
Comment: This sequence change creates a premature translational stop signal (p.Leu318*) in the ACO2 gene. It is expected to result in an absent or disrupted protein product. Loss-of-function variants in ACO2 are known to be pathogenic (PMID: 30689204, 32519519). This variant is not present in population databases (gnomAD no frequency). This variant has not been reported in the literature in individuals affected with ACO2-related conditions. ClinVar contains an entry for this variant (Variation ID: 1063268). For these reasons, this variant has been classified as Pathogenic.

Literature cited by the submitters: PubMed 30689204; PubMed 32519519.

NM_001098.3(ACO2):c.952del (p.Asn317_Leu318insTer)

Gene: ACO2 (aconitase 2; plus strand). Cytogenetic location: 22q13.2.
Variant type: Deletion.
Coding change: c.952del on transcript NM_001098.3 (MANE Select); coding-DNA position 952, one base deleted (C; older notation c.952delC).
Protein change: p.Asn317_Leu318insTer.
Molecular consequence: nonsense.
Genome position (GRCh38, 1-based): chr22:41,518,492, C deleted. VCF-style (leftmost placement, unchanged base first): chr22-41518491-TC-T. GRCh37 (hg19) VCF-style: chr22-41914495-TC-T.
Identifiers: ClinVar variation 1063268 (VCV001063268.7), dbSNP rs2146128464, ClinGen allele CA2499226194.